The following is an entry in ClinVar:

NM_006005.3(WFS1):c.1801G>T (p.Val601Leu)

Gene: WFS1 (wolframin ER transmembrane glycoprotein; plus strand). Cytogenetic location: 4p16.1.
Variant type: single nucleotide variant.
Coding change: c.1801G>T on transcript NM_006005.3 (MANE Select); coding-DNA position 1801, G replaced by T.
Protein change: p.Val601Leu; replaces valine 601 with leucine.
Molecular consequence: missense variant.
Genome position (GRCh38, 1-based): chr4:6,301,596, G>T. VCF-style: chr4-6301596-G-T. GRCh37 (hg19) VCF-style: chr4-6303323-G-T.
Other names: c.1801G>T, p.Val601Leu (NM_001145853.1); short protein forms V601L.
Identifiers: ClinVar variation 2075914 (VCV002075914.4), dbSNP rs147838635, ClinGen allele CA2839499.

ClinVar aggregate classification (germline): Uncertain significance (1 of 4 stars; one submission).

gnomAD v4.1: 18 of 1,614,168 alleles (0.0011%); highest among the groups gnomAD compares: Non-Finnish European, 0.0014%; no homozygotes.

Submission:

Labcorp Genetics (formerly Invitae), Labcorp
Classification: Uncertain significance. Last evaluated: 2022-08-13. Review status: criteria provided, single submitter. Criteria: Invitae Variant Classification Sherloc (09022015). Collection method: clinical testing. Allele origin: germline.
Comment: This sequence change replaces valine, which is neutral and non-polar, with leucine, which is neutral and non-polar, at codon 601 of the WFS1 protein (p.Val601Leu). This variant is present in population databases (rs147838635, gnomAD 0.003%). This variant has not been reported in the literature in individuals affected with WFS1-related conditions. Advanced modeling of protein sequence and biophysical properties (such as structural, functional, and spatial information, amino acid conservation, physicochemical variation, residue mobility, and thermodynamic stability) performed at Invitae indicates that this missense variant is not expected to disrupt WFS1 protein function. In summary, the available evidence is currently insufficient to determine the role of this variant in disease. Therefore, it has been classified as a Variant of Uncertain Significance.